The following is an entry in ClinVar:

NM_022552.5(DNMT3A):c.2174-4_2174-3del

Gene: DNMT3A (DNA methyltransferase 3 alpha; minus strand). Cytogenetic location: 2p23.3.
Variant type: Microsatellite.
Coding change: c.2174-4_2174-3del on transcript NM_022552.5 (MANE Select); 4 bases into the intron before coding-DNA position 2174 through 3 bases into the intron before coding-DNA position 2174, 2 bases deleted (TC; older notation c.2174-4_2174-3delTC).
Molecular consequence: intron variant.
Genome position (GRCh38, 1-based): chr2:25,240,453-25,240,454, GA deleted on the plus strand (TC on the coding strand, the reverse complement: DNMT3A is on the minus strand); deleting any 2 consecutive bases within chr2:25,240,453-25,240,457 gives the same sequence; the c. name uses the placement nearest the transcript's 3' end. VCF-style (leftmost placement, unchanged base first): chr2-25240452-TGA-T. GRCh37 (hg19) VCF-style: chr2-25463321-TGA-T.
Other names: c.2174-4_2174-3del (NM_175629.2); c.1607-4_1607-3del (NM_153759.3); c.1718-4_1718-3del (NM_001320893.1); c.1505-4_1505-3del (NM_001375819.1); c.2174-4_2174-3delTC (NM_175629.2).
Identifiers: ClinVar variation 3031703 (VCV003031703.2), dbSNP rs955261746, ClinGen allele CA43698912.

ClinVar aggregate classification (germline): Likely benign (0 of 4 stars; one submission).

Conditions:
DNMT3A-related disorder. Also called: DNMT3A-related disorders; DNMT3A-related condition.

Submission:

PreventionGenetics, part of Exact Sciences
Classification: Likely benign for DNMT3A-related condition. Last evaluated: 2023-10-11. Review status: no assertion criteria provided. Collection method: clinical testing. Allele origin: germline.
Comment: This variant is classified as likely benign based on ACMG/AMP sequence variant interpretation guidelines (Richards et al. 2015 PMID: 25741868, with internal and published modifications).